The following is an entry in ClinVar:

ClinVar aggregate classification (germline): Benign. Review status: criteria provided, multiple submitters, no conflicts (2 of 4 stars). 6 submissions from 6 submitters: Benign (6). Last evaluated 2026-02-04.

Conditions:
Renal tubular dysgenesis. Also called: Renotubular dysgenesis. Identifiers: Orphanet 3033, MedGen C0266313, MONDO:0017609, HP:0008660.

Allele frequency attached by ClinVar (database versions not stated): gnomAD exomes 0.06151 and 0.06154; ExAC 0.06553; 1000 Genomes Project 0.10683; 1000 Genomes Project 30x 0.11212; gnomAD 0.12086 and 0.12761; ESP Exome Variant Server 0.12348; TOPMed 0.12778.
gnomAD v4.1: 108,577 of 1,613,898 alleles (6.7%); highest among the groups gnomAD compares: African/African-American, 30%; 6,107 homozygotes.

Submissions (6):

Labcorp Genetics (formerly Invitae), Labcorp
Classification: Benign. Last evaluated: 2026-02-04. Review status: criteria provided, single submitter. Criteria: Invitae Variant Classification Sherloc (09022015). Collection method: clinical testing. Allele origin: germline.

Mayo Clinic Laboratories, Mayo Clinic
Classification: Benign. Last evaluated: 2022-03-09. Review status: criteria provided, single submitter. Criteria: ACMG Guidelines, 2015. Collection method: clinical testing. Allele origin: germline. Observed: 15 variant alleles.

GeneDx
Classification: Benign. Last evaluated: 2018-11-10. Review status: criteria provided, single submitter. Criteria: GeneDx Variant Classification Process June 2021. Collection method: clinical testing. Allele origin: germline. Affected: yes.

Illumina Laboratory Services, Illumina
Classification: Benign for Renal tubular dysgenesis of genetic origin. Last evaluated: 2018-01-12. Review status: criteria provided, single submitter. Criteria: ICSL Variant Classification Criteria 13 December 2019. Collection method: clinical testing. Allele origin: germline.
Comment: This variant was observed in the ICSL laboratory as part of a predisposition screen in an ostensibly healthy population. It had not been previously curated by ICSL or reported in the Human Gene Mutation Database (HGMD: prior to June 1st, 2018), and was therefore a candidate for classification through an automated scoring system. Utilizing variant allele frequency, disease prevalence and penetrance estimates, and inheritance mode, an automated score was calculated to assess if this variant is too frequent to cause the disease. Based on the score and internal cut-off values, a variant classified as benign is not then subjected to further curation. The score for this variant resulted in a classification of benign for this disease.

Breakthrough Genomics
Classification: Benign. Review status: criteria provided, single submitter. Criteria: ACMG Guidelines, 2015. Collection method: not provided. Allele origin: germline. Inheritance: Autosomal recessive inheritance. Affected: yes.

PreventionGenetics, part of Exact Sciences
Classification: Benign. Review status: criteria provided, single submitter. Criteria: ACMG Guidelines, 2015. Collection method: clinical testing. Allele origin: germline.

NM_000685.5(AGTR1):c.1062A>G (p.Pro354=)

Gene: AGTR1 (angiotensin II receptor type 1; plus strand). Cytogenetic location: 3q24.
Variant type: single nucleotide variant.
Coding change: c.1062A>G on transcript NM_000685.5 (MANE Select); coding-DNA position 1062, A replaced by G.
Protein change: p.Pro354=; no amino-acid change (proline 354 retained).
Molecular consequence: synonymous variant.
Genome position (GRCh38, 1-based): chr3:148,742,097, A>G. VCF-style: chr3-148742097-A-G. GRCh37 (hg19) VCF-style: chr3-148459884-A-G.
Other names: p.Pro389=; c.1062A>G, p.Pro354= (NM_001382736.1, NM_001382737.1, NM_004835.5 and 3 more transcripts).
Identifiers: ClinVar variation 256758 (VCV000256758.19), dbSNP rs5183, ClinGen allele CA2657441.
Genomic context (GRCh38, chr3:148,742,097, plus strand): 5'-GAGCACGCTTTCCTACCGCCCCTCAGATAATGTAAGCTCATCCACCAAGAAGCCTGCACC[A>G]TGTTTTGAGGTTGAGTGACATGTTCGAAACCTGTCCATAAAGTAATTTTGTGAAAGAAGG-3'
Protein context (NP_000676.1, residues 344-359): NVSSSTKKPA[Pro354=]CFEVE